The following is an entry in ClinVar:

ClinVar aggregate classification (germline): Uncertain significance (1 of 4 stars; one submission).

gnomAD v4.1: 2 of 1,613,800 alleles (0.00012%); highest among the groups gnomAD compares: Non-Finnish European, 0.000085%; no homozygotes.

Submission:

Labcorp Genetics (formerly Invitae), Labcorp
Classification: Uncertain significance. Last evaluated: 2024-02-17. Review status: criteria provided, single submitter. Criteria: Invitae Variant Classification Sherloc (09022015). Collection method: clinical testing. Allele origin: germline.
Comment: This sequence change replaces threonine, which is neutral and polar, with isoleucine, which is neutral and non-polar, at codon 473 of the RETREG1 protein (p.Thr473Ile). This variant is present in population databases (no rsID available, gnomAD 0.0009%). This variant has not been reported in the literature in individuals affected with RETREG1-related conditions. ClinVar contains an entry for this variant (Variation ID: 1420156). Advanced modeling of protein sequence and biophysical properties (such as structural, functional, and spatial information, amino acid conservation, physicochemical variation, residue mobility, and thermodynamic stability) performed at Invitae indicates that this missense variant is not expected to disrupt RETREG1 protein function with a negative predictive value of 80%. In summary, the available evidence is currently insufficient to determine the role of this variant in disease. Therefore, it has been classified as a Variant of Uncertain Significance.

NM_001034850.3(RETREG1):c.1418C>T (p.Thr473Ile)

Gene: RETREG1 (reticulophagy regulator 1; minus strand). Cytogenetic location: 5p15.1.
Variant type: single nucleotide variant.
Coding change: c.1418C>T on transcript NM_001034850.3 (MANE Select); coding-DNA position 1418, C replaced by T.
Protein change: p.Thr473Ile; replaces threonine 473 with isoleucine.
Molecular consequence: missense variant.
Genome position (GRCh38, 1-based): chr5:16,474,817, G>A on the plus strand (C>T on the coding strand, the complement: RETREG1 is on the minus strand). VCF-style: chr5-16474817-G-A. GRCh37 (hg19) VCF-style: chr5-16474926-G-A.
Other names: c.995C>T, p.Thr332Ile (NM_019000.5); short protein forms T332I, T473I.
Identifiers: ClinVar variation 1420156 (VCV001420156.6), dbSNP rs1186811814, ClinGen allele CA359255552.